The following is an entry in ClinVar:

NM_002734.5(PRKAR1A):c.827T>C (p.Phe276Ser)

Gene: PRKAR1A (protein kinase cAMP-dependent type I regulatory subunit alpha; plus strand). Cytogenetic location: 17q24.2.
Variant type: single nucleotide variant.
Coding change: c.827T>C on transcript NM_002734.5 (MANE Select); coding-DNA position 827, T replaced by C.
Protein change: p.Phe276Ser; replaces phenylalanine 276 with serine.
Molecular consequence: missense variant.
Genome position (GRCh38, 1-based): chr17:68,528,927, T>C. VCF-style: chr17-68528927-T-C. GRCh37 (hg19) VCF-style: chr17-66525068-T-C.
Other names: c.827T>C, p.Phe276Ser (NM_001276289.2, NM_001276290.1, NM_001278433.2 and 4 more transcripts); short protein forms F276S.
Identifiers: ClinVar variation 938335 (VCV000938335.11), dbSNP rs2085878339, ClinGen allele CA400753907.

ClinVar aggregate classification (germline): Uncertain significance. Review status: criteria provided, multiple submitters, no conflicts (2 of 4 stars). 2 submissions from 2 submitters: Uncertain significance (2). Last evaluated 2025-08-11.

Conditions:
Carney complex, type 1 (CNC1). Also called: CARNEY MYXOMA-ENDOCRINE COMPLEX; CARNEY COMPLEX, TYPE I. Identifiers: Orphanet 1359, MedGen C2607929, MONDO:0008057, OMIM 160980.
Hereditary cancer-predisposing syndrome. Also called: Tumor predisposition; Hereditary neoplastic syndrome; Hereditary Cancer Syndrome; Neoplastic Syndromes, Hereditary. Identifiers: Orphanet 140162, MedGen C0027672, MeSH D009386, MONDO:0015356.

Allele frequency attached by ClinVar (database versions not stated): gnomAD exomes below 0.00001.
gnomAD v4.1: 1 of 1,614,026 alleles (0.000062%); highest among the groups gnomAD compares: Non-Finnish European, 0.000085%; no homozygotes.

Submissions (2):

Labcorp Genetics (formerly Invitae), Labcorp
Classification: Uncertain significance for Carney complex, type 1. Last evaluated: 2025-08-11. Review status: criteria provided, single submitter. Criteria: Invitae Variant Classification Sherloc (09022015). Collection method: clinical testing. Allele origin: germline.
Comment: This sequence change replaces phenylalanine, which is neutral and non-polar, with serine, which is neutral and polar, at codon 276 of the PRKAR1A protein (p.Phe276Ser). This variant is not present in population databases (gnomAD no frequency). This variant has not been reported in the literature in individuals affected with PRKAR1A-related conditions. ClinVar contains an entry for this variant (Variation ID: 938335). Invitae Evidence Modeling of protein sequence and biophysical properties (such as structural, functional, and spatial information, amino acid conservation, physicochemical variation, residue mobility, and thermodynamic stability) indicates that this missense variant is expected to disrupt PRKAR1A protein function with a positive predictive value of 95%. In summary, the available evidence is currently insufficient to determine the role of this variant in disease. Therefore, it has been classified as a Variant of Uncertain Significance.

Ambry Genetics
Classification: Uncertain significance for Hereditary cancer-predisposing syndrome. Last evaluated: 2024-11-26. Review status: criteria provided, single submitter. Criteria: Ambry Variant Classification Scheme 2023. Collection method: clinical testing. Allele origin: germline.
Comment: The p.F276S variant (also known as c.827T>C), located in coding exon 8 of the PRKAR1A gene, results from a T to C substitution at nucleotide position 827. The phenylalanine at codon 276 is replaced by serine, an amino acid with highly dissimilar properties. This amino acid position is highly conserved in available vertebrate species. In addition, this alteration is predicted to be deleterious by in silico analysis. Based on the available evidence, the clinical significance of this variant remains unclear.